The following is an entry in ClinVar:

NM_002693.3(POLG):c.125_130dup (p.Gln43_Gln44insArgGln)

Genes: POLG (DNA polymerase gamma, catalytic subunit; minus strand), POLGARF (POLG alternative reading frame; minus strand). Cytogenetic location: 15q26.1.
Variant type: Duplication.
Coding change: c.125_130dup on transcript NM_002693.3 (MANE Select); coding-DNA positions 125 to 130, 6 bases duplicated (GGCAGC; older notation c.125_130dupGGCAGC).
Protein change: p.Gln43_Gln44insArgGln.
Molecular consequence: inframe insertion.
Genome position (GRCh38, 1-based): chr15:89,333,625-89,333,630, GCTGCC duplicated on the plus strand (GGCAGC on the coding strand, the reverse complement: POLG is on the minus strand); duplicating any 6 consecutive bases within chr15:89,333,625-89,333,632 gives the same sequence; the c. name uses the placement nearest the transcript's 3' end. VCF-style (leftmost placement, unchanged base first): chr15-89333624-T-TGCTGCC. GRCh37 (hg19) VCF-style: chr15-89876855-T-TGCTGCC.
Other names: c.180_185dup, p.Ala71_Thr72insAlaAla (NM_001430120.1); c.125_130dup, p.Gln43_Gln44insArgGln (NM_001126131.2).
Identifiers: ClinVar variation 4810824 (VCV004810824.1).

ClinVar aggregate classification (germline): Uncertain significance (1 of 4 stars; one submission).

Conditions:
Progressive sclerosing poliodystrophy (MTDPS4A). Also called: ALPERS PROGRESSIVE INFANTILE POLIODYSTROPHY; NEURONAL DEGENERATION OF CHILDHOOD WITH LIVER DISEASE, PROGRESSIVE; Mitochondrial DNA Depletion Syndrome 4A; Alpers Syndrome; ALPERS DIFFUSE DEGENERATION OF CEREBRAL GRAY MATTER WITH HEPATIC CIRRHOSIS; Alpers-Huttenlocher Syndrome. Identifiers: Orphanet 726, MedGen C0205710, MONDO:0008758, OMIM 203700.

Submission:

Labcorp Genetics (formerly Invitae), Labcorp
Classification: Uncertain significance for Progressive sclerosing poliodystrophy. Last evaluated: 2025-11-03. Review status: criteria provided, single submitter. Criteria: Invitae Variant Classification Sherloc (09022015). Collection method: clinical testing. Allele origin: germline.
Comment: This variant, c.125_130dup, results in the insertion of 2 amino acid(s) of the POLG protein (p.Arg42_Gln43dup), but otherwise preserves the integrity of the reading frame. The frequency data for this variant in the population databases is considered unreliable, as metrics indicate poor data quality at this position in the gnomAD database. This variant has not been reported in the literature in individuals affected with POLG-related conditions. In summary, the available evidence is currently insufficient to determine the role of this variant in disease. Therefore, it has been classified as a Variant of Uncertain Significance.